The following is an entry in ClinVar:

NM_139319.3(SLC17A8):c.1242_1243del (p.Val415fs)

Gene: SLC17A8 (solute carrier family 17 member 8; plus strand). Cytogenetic location: 12q23.1.
Variant type: Deletion.
Coding change: c.1242_1243del on transcript NM_139319.3 (MANE Select); coding-DNA positions 1242 to 1243, 2 bases deleted (GG; older notation c.1242_1243delGG).
Protein change: p.Val415fs; shifts the reading frame from valine 415.
Molecular consequence: frameshift variant.
Genome position (GRCh38, 1-based): chr12:100,412,825-100,412,826, GG deleted; deleting any 2 consecutive bases within chr12:100,412,823-100,412,826 gives the same sequence; the c. name uses the placement nearest the transcript's 3' end. VCF-style (leftmost placement, unchanged base first): chr12-100412822-AGG-A. GRCh37 (hg19) VCF-style: chr12-100806600-AGG-A.
Other names: c.1092_1093del, p.Val365fs (NM_001145288.2); short protein forms V365fs, V415fs.
Identifiers: ClinVar variation 1346039 (VCV001346039.6), dbSNP rs2136014789, ClinGen allele CA2573147905.

ClinVar aggregate classification (germline): Uncertain significance (1 of 4 stars; one submission).

Submission:

Labcorp Genetics (formerly Invitae), Labcorp
Classification: Uncertain significance. Last evaluated: 2022-03-10. Review status: criteria provided, single submitter. Criteria: Invitae Variant Classification Sherloc (09022015). Collection method: clinical testing. Allele origin: germline.
Comment: In summary, the available evidence is currently insufficient to determine the role of this variant in disease. Therefore, it has been classified as a Variant of Uncertain Significance. Algorithms developed to predict the effect of sequence changes on RNA splicing suggest that this variant may create or strengthen a splice site. This variant has not been reported in the literature in individuals affected with SLC17A8-related conditions. This variant is not present in population databases (gnomAD no frequency). This sequence change creates a premature translational stop signal (p.Val415Glyfs*12) in the SLC17A8 gene. It is expected to result in an absent or disrupted protein product. However, the current clinical and genetic evidence is not sufficient to establish whether loss-of-function variants in SLC17A8 cause disease.